The following is an entry in ClinVar:

ClinVar aggregate classification (germline): Uncertain significance. Review status: criteria provided, multiple submitters, no conflicts (2 of 4 stars). 4 submissions from 4 submitters: Uncertain significance (4). Last evaluated 2024-09-20.

Conditions:
Charcot-Marie-Tooth disease type 2. Also called: Charcot-Marie-Tooth type 2. Identifiers: Orphanet 64746, MedGen C0270914, MONDO:0018993.
Cardiomyopathy (CMYO). Also called: Cardiomyopathies. Identifiers: Orphanet 167848, MedGen C0878544, MONDO:0004994, HP:0001638. Inheritance: Various modes of inheritance.

Submissions (4):

Revvity Omics, Revvity
Classification: Uncertain significance. Last evaluated: 2024-09-20. Review status: criteria provided, single submitter. Criteria: ACMG Guidelines, 2015. Collection method: clinical testing. Allele origin: germline.

Labcorp Genetics (formerly Invitae), Labcorp
Classification: Uncertain significance for Charcot-Marie-Tooth disease type 2. Last evaluated: 2023-01-14. Review status: criteria provided, single submitter. Criteria: Invitae Variant Classification Sherloc (09022015). Collection method: clinical testing. Allele origin: germline.
Comment: In summary, the available evidence is currently insufficient to determine the role of this variant in disease. Therefore, it has been classified as a Variant of Uncertain Significance. Advanced modeling of protein sequence and biophysical properties (such as structural, functional, and spatial information, amino acid conservation, physicochemical variation, residue mobility, and thermodynamic stability) has been performed at Invitae for this missense variant, however the output from this modeling did not meet the statistical confidence thresholds required to predict the impact of this variant on LMNA protein function. ClinVar contains an entry for this variant (Variation ID: 285345). This variant has not been reported in the literature in individuals affected with LMNA-related conditions. This variant is not present in population databases (gnomAD no frequency). This sequence change replaces isoleucine, which is neutral and non-polar, with valine, which is neutral and non-polar, at codon 297 of the LMNA protein (p.Ile297Val).

Color Diagnostics, LLC DBA Color Health
Classification: Uncertain significance for Cardiomyopathy. Last evaluated: 2023-01-03. Review status: criteria provided, single submitter. Criteria: ACMG Guidelines, 2015. Collection method: clinical testing. Allele origin: germline.
Comment: This missense variant replaces isoleucine with valine at codon 297 of the LMNA protein. Computational prediction suggests that this variant may not impact protein structure and function (internally defined REVEL score threshold <= 0.5, PMID: 27666373). To our knowledge, functional studies have not been reported for this variant. This variant has not been reported in individuals affected with LMNA-related disorders in the literature. This variant has not been identified in the general population by the Genome Aggregation Database (gnomAD). The available evidence is insufficient to determine the role of this variant in disease conclusively. Therefore, this variant is classified as a Variant of Uncertain Significance.

Eurofins Ntd Llc (ga)
Classification: Uncertain significance. Last evaluated: 2016-01-22. Review status: criteria provided, single submitter. Criteria: EGL Classification Definitions 2015. Collection method: clinical testing. Allele origin: germline. Observed: 1 variant allele, 1 heterozygote.

NM_170707.4(LMNA):c.889A>G (p.Ile297Val)

Gene: LMNA (lamin A/C; plus strand). Cytogenetic location: 1q22.
Variant type: single nucleotide variant.
Coding change: c.889A>G on transcript NM_170707.4 (MANE Select); coding-DNA position 889, A replaced by G.
Protein change: p.Ile297Val; replaces isoleucine 297 with valine.
Molecular consequence: missense variant.
Genome position (GRCh38, 1-based): chr1:156,135,265, A>G. VCF-style: chr1-156135265-A-G. GRCh37 (hg19) VCF-style: chr1-156105056-A-G.
Other names: c.553A>G, p.Ile185Val (NM_001257374.3); c.646A>G, p.Ile216Val (NM_001282624.2); c.889A>G, p.Ile297Val (NM_001282625.2, NM_001282626.2, NM_005572.4 and 1 more transcripts); short protein forms I297V, I185V, I216V.
Identifiers: ClinVar variation 285345 (VCV000285345.14), dbSNP rs886043082, ClinGen allele CA10605086.